The following is an entry in ClinVar:

NM_000548.5(TSC2):c.4223G>C (p.Gly1408Ala)

Gene: TSC2 (TSC complex subunit 2; plus strand). Cytogenetic location: 16p13.3.
Variant type: single nucleotide variant.
Coding change: c.4223G>C on transcript NM_000548.5 (MANE Select); coding-DNA position 4223, G replaced by C.
Protein change: p.Gly1408Ala; replaces glycine 1408 with alanine.
Molecular consequence: missense variant.
Genome position (GRCh38, 1-based): chr16:2,084,445, G>C. VCF-style: chr16-2084445-G-C. GRCh37 (hg19) VCF-style: chr16-2134446-G-C.
Other names: c.4022G>C, p.Gly1341Ala (NM_001077183.3); c.4154G>C, p.Gly1385Ala (NM_001114382.3); c.3914G>C, p.Gly1305Ala (NM_001318827.2); c.3878G>C, p.Gly1293Ala (NM_001318829.2); c.3491G>C, p.Gly1164Ala (NM_001318831.2); c.4055G>C, p.Gly1352Ala (NM_001318832.2); c.4025G>C, p.Gly1342Ala (NM_001363528.2); c.4091G>C, p.Gly1364Ala (NM_001370404.1); and 2 more; short protein forms G1164A, G1305A, G1341A, G1342A, G1365A, G1352A, G1293A, G1364A.
Identifiers: ClinVar variation 1366198 (VCV001366198.9), dbSNP rs202068995, ClinGen allele CA394300161.

ClinVar aggregate classification (germline): Uncertain significance. Review status: criteria provided, multiple submitters, no conflicts (2 of 4 stars). 2 submissions from 2 submitters: Uncertain significance (2). Last evaluated 2025-05-22.

Conditions:
Hereditary cancer-predisposing syndrome. Also called: Hereditary neoplastic syndrome; Hereditary Cancer Syndrome; Neoplastic Syndromes, Hereditary; Tumor predisposition. Identifiers: Orphanet 140162, MedGen C0027672, MeSH D009386, MONDO:0015356.
Tuberous sclerosis 2 (TSC2). Identifiers: Orphanet 805, MedGen C1860707, MONDO:0013199, OMIM 613254.

Submissions (2):

Ambry Genetics
Classification: Uncertain significance for Hereditary cancer-predisposing syndrome. Last evaluated: 2025-05-22. Review status: criteria provided, single submitter. Criteria: Ambry Variant Classification Scheme 2023. Collection method: clinical testing. Allele origin: germline.
Comment: The p.G1408A variant (also known as c.4223G>C), located in coding exon 33 of the TSC2 gene, results from a G to C substitution at nucleotide position 4223. The glycine at codon 1408 is replaced by alanine, an amino acid with similar properties. This amino acid position is not well conserved in available vertebrate species. In addition, the in silico prediction for this alteration is inconclusive. Based on the available evidence, the clinical significance of this variant remains unclear.

Labcorp Genetics (formerly Invitae), Labcorp
Classification: Uncertain significance for Tuberous sclerosis 2. Last evaluated: 2021-07-06. Review status: criteria provided, single submitter. Criteria: Invitae Variant Classification Sherloc (09022015). Collection method: clinical testing. Allele origin: germline.
Comment: This variant has not been reported in the literature in individuals affected with TSC2-related conditions. This sequence change replaces glycine with alanine at codon 1408 of the TSC2 protein (p.Gly1408Ala). The glycine residue is weakly conserved and there is a small physicochemical difference between glycine and alanine. This variant is not present in population databases (ExAC no frequency). Advanced modeling of protein sequence and biophysical properties (such as structural, functional, and spatial information, amino acid conservation, physicochemical variation, residue mobility, and thermodynamic stability) performed at Invitae indicates that this missense variant is not expected to disrupt TSC2 protein function. In summary, the available evidence is currently insufficient to determine the role of this variant in disease. Therefore, it has been classified as a Variant of Uncertain Significance.